The following is an entry in ClinVar:

ClinVar aggregate classification (germline): Pathogenic (1 of 4 stars; one submission).

Submission:

GeneDx
Classification: Pathogenic. Last evaluated: 2019-03-18. Review status: criteria provided, single submitter. Criteria: GeneDx Variant Classification Process June 2021. Collection method: clinical testing. Allele origin: germline. Affected: yes.
Comment: Nonsense variant predicted to result in protein truncation or nonsense mediated decay in a gene for which loss-of-function is a known mechanism of disease; Not observed in large population cohorts (Lek et al., 2016); Has not been previously published as pathogenic or benign to our knowledge

NM_002834.5(PTPN11):c.1247G>A (p.Trp416Ter)

Gene: PTPN11 (protein tyrosine phosphatase non-receptor type 11; plus strand). Cytogenetic location: 12q24.13.
Variant type: single nucleotide variant.
Coding change: c.1247G>A on transcript NM_002834.5 (MANE Select); coding-DNA position 1247, G replaced by A.
Protein change: p.Trp416Ter; replaces tryptophan 416 with a stop codon.
Molecular consequence: nonsense.
Genome position (GRCh38, 1-based): chr12:112,486,497, G>A. VCF-style: chr12-112486497-G-A. GRCh37 (hg19) VCF-style: chr12-112924301-G-A.
Other names: c.1247G>A, p.Trp416Ter (NM_080601.3); c.1259G>A, p.Trp420Ter (NM_001330437.2); c.1244G>A, p.Trp415Ter (NM_001374625.1); short protein forms W415*, W416*, W420*.
Identifiers: ClinVar variation 1216064 (VCV001216064.3), dbSNP rs2135912260, ClinGen allele CA386777003.